The following is an entry in ClinVar:

NM_000256.3(MYBPC3):c.1669G>T (p.Gly557Cys)

Gene: MYBPC3 (myosin binding protein C3; minus strand). Cytogenetic location: 11p11.2.
Variant type: single nucleotide variant.
Coding change: c.1669G>T on transcript NM_000256.3 (MANE Select); coding-DNA position 1669, G replaced by T.
Protein change: p.Gly557Cys; replaces glycine 557 with cysteine.
Molecular consequence: missense variant.
Genome position (GRCh38, 1-based): chr11:47,342,112, C>A on the plus strand (G>T on the coding strand, the complement: MYBPC3 is on the minus strand). VCF-style: chr11-47342112-C-A. GRCh37 (hg19) VCF-style: chr11-47363663-C-A.
Other names: short protein forms G557C.
Identifiers: ClinVar variation 1299596 (VCV001299596.1), dbSNP rs730880693, ClinGen allele CA380324408.

ClinVar aggregate classification (germline): Uncertain significance (1 of 4 stars; one submission).

Conditions:
Hypertrophic cardiomyopathy 4. Also called: Familial hypertrophic cardiomyopathy 4. Identifiers: MedGen C1861862, MONDO:0007268, OMIM 115197.

Allele frequency attached by ClinVar (database versions not stated): gnomAD exomes below 0.00001.

Submission:

Laboratory of Medical Genetics, National & Kapodistrian University of Athens
Classification: Uncertain significance for Hypertrophic cardiomyopathy 4. Last evaluated: 2021-10-06. Review status: criteria provided, single submitter. Criteria: ACMG Guidelines, 2015. Collection method: clinical testing. Allele origin: unknown. Affected: yes.
Comment: PM1, PM2, PP3

Literature cited by the submitters: PubMed 34008892.